The following is an entry in ClinVar:

ClinVar aggregate classification (germline): Pathogenic/Likely pathogenic. Review status: criteria provided, multiple submitters, no conflicts (2 of 4 stars). 2 submissions from 2 submitters: Pathogenic (1); Likely pathogenic (1). Last evaluated 2024-06-10.

Conditions:
Primary ciliary dyskinesia. Also called: Ciliary dyskinesia. Identifiers: Orphanet 244, MedGen C0008780, MONDO:0016575, HP:0012265.

Submissions (2):

Natera, Inc.
Classification: Likely pathogenic for Primary ciliary dyskinesia. Last evaluated: 2024-06-10. Review status: criteria provided, single submitter. Criteria: Natera Variant Classification Schema (03/2026). Collection method: clinical testing. Allele origin: germline.
Comment: The c.9730delG variant in DNAH5 is a frameshift variant predicted to shift the reading frame beginning at codon 3244 and leads to a stop codon 2 codons downstream. This variant is expected to result in nonsense mediated decay, truncation, or a dysfunctional protein product. This variant is rare in the general population with a frequency below the threshold expected for the associated phenotype(s). Given the available evidence, this variant is classified as Likely Pathogenic.

Labcorp Genetics (formerly Invitae), Labcorp
Classification: Pathogenic for Primary ciliary dyskinesia. Last evaluated: 2023-09-25. Review status: criteria provided, single submitter. Criteria: Invitae Variant Classification Sherloc (09022015). Collection method: clinical testing. Allele origin: germline.
Comment: For these reasons, this variant has been classified as Pathogenic. This variant has not been reported in the literature in individuals affected with DNAH5-related conditions. This variant is not present in population databases (gnomAD no frequency). This sequence change creates a premature translational stop signal (p.Glu3244Lysfs*2) in the DNAH5 gene. It is expected to result in an absent or disrupted protein product. Loss-of-function variants in DNAH5 are known to be pathogenic (PMID: 11788826, 16627867).

Literature cited by the submitters: PubMed 11788826 (cited by Labcorp Genetics (formerly Invitae), Labcorp); PubMed 16627867 (cited by Labcorp Genetics (formerly Invitae), Labcorp).

NM_001369.3(DNAH5):c.9730del (p.Glu3244fs)

Gene: DNAH5 (dynein axonemal heavy chain 5; minus strand). Cytogenetic location: 5p15.2.
Variant type: Deletion.
Coding change: c.9730del on transcript NM_001369.3 (MANE Select); coding-DNA position 9730, one base deleted (G; older notation c.9730delG).
Protein change: p.Glu3244fs; shifts the reading frame from glutamic acid 3244.
Molecular consequence: frameshift variant.
Genome position (GRCh38, 1-based): chr5:13,769,127, C deleted on the plus strand (G on the coding strand, the reverse complement: DNAH5 is on the minus strand). VCF-style (leftmost placement, unchanged base first): chr5-13769126-TC-T. GRCh37 (hg19) VCF-style: chr5-13769235-TC-T.
Other names: c.9730delG (NM_001369.2); short protein forms E3244fs.
Identifiers: ClinVar variation 2809718 (VCV002809718.4), dbSNP rs1223462735, ClinGen allele CA804449643.
Genomic context (GRCh38, chr5:13,769,126, plus strand): 5'-TCCTTCACCTTCTGTACCTCAGCCTTGACCTTTTCAGCAGCCTGTGCTTTCATTGTCACT[TC>T]TTTTAAGACCTAATTCAATATAAAGCAAGCAATACTTCACCAAACAGTATTAAACATCCA-3'